The following is an entry in ClinVar:

NM_004655.4(AXIN2):c.876A>G (p.Ala292=)

Gene: AXIN2 (axin 2; minus strand). Cytogenetic location: 17q24.1.
Variant type: single nucleotide variant.
Coding change: c.876A>G on transcript NM_004655.4 (MANE Select); coding-DNA position 876, A replaced by G.
Protein change: p.Ala292=; no amino-acid change (alanine 292 retained).
Molecular consequence: synonymous variant.
Genome position (GRCh38, 1-based): chr17:65,549,600, T>C on the plus strand (A>G on the coding strand, the complement: AXIN2 is on the minus strand). VCF-style: chr17-65549600-T-C. GRCh37 (hg19) VCF-style: chr17-63545718-T-C.
Other names: c.876A>G (LRG_296t1); c.876A>G, p.Ala292= (NM_001363813.1).
Identifiers: ClinVar variation 240037 (VCV000240037.21), dbSNP rs755685014, ClinGen allele CA8718955.

ClinVar aggregate classification (germline): Benign/Likely benign. Review status: criteria provided, multiple submitters, no conflicts (2 of 4 stars). 5 submissions from 5 submitters: Benign (2); Likely benign (3). Last evaluated 2026-01-11.

Conditions:
Hereditary cancer-predisposing syndrome. Also called: Neoplastic Syndromes, Hereditary; Hereditary neoplastic syndrome; Tumor predisposition; Hereditary Cancer Syndrome. Identifiers: Orphanet 140162, MedGen C0027672, MeSH D009386, MONDO:0015356.
Oligodontia-cancer predisposition syndrome. Also called: TOOTH AGENESIS-COLORECTAL CANCER SYNDROME. Identifiers: Orphanet 300576, MedGen C1837750, MONDO:0012075, OMIM 608615. Disease mechanism: loss of function.

Allele frequency attached by ClinVar (database versions not stated): ExAC 0.00001; gnomAD 0.00001; TOPMed 0.00001.
gnomAD v4.1: 8 of 1,606,524 alleles (0.0005%); highest among the groups gnomAD compares: Middle Eastern, 0.017%; no homozygotes.

Submissions (5):

Labcorp Genetics (formerly Invitae), Labcorp
Classification: Likely benign for Oligodontia-cancer predisposition syndrome. Last evaluated: 2026-01-11. Review status: criteria provided, single submitter. Criteria: Invitae Variant Classification Sherloc (09022015). Collection method: clinical testing. Allele origin: germline.

KCCC/NGS Laboratory, Kuwait Cancer Control Center
Classification: Benign for Oligodontia-cancer predisposition syndrome. Last evaluated: 2025-02-01. Review status: criteria provided, single submitter. Criteria: ACMG Guidelines, 2015. Collection method: clinical testing. Allele origin: germline. Affected: no.

Myriad Genetics, Inc.
Classification: Benign for Oligodontia-cancer predisposition syndrome. Last evaluated: 2024-06-28. Review status: criteria provided, single submitter. Criteria: Myriad Autosomal Dominant, Autosomal Recessive and X-Linked Classification Criteria (2023). Collection method: clinical testing. Allele origin: unknown.
Comment: This variant is considered benign. This variant is a silent/synonymous amino acid change and it is not expected to impact splicing.

GeneDx
Classification: Likely benign. Last evaluated: 2021-08-11. Review status: criteria provided, single submitter. Criteria: GeneDx Variant Classification Process June 2021. Collection method: clinical testing. Allele origin: germline. Affected: yes.

Ambry Genetics
Classification: Likely benign for Hereditary cancer-predisposing syndrome. Last evaluated: 2019-06-24. Review status: criteria provided, single submitter. Criteria: Ambry Variant Classification Scheme 2023. Collection method: clinical testing. Allele origin: germline.